The following is an entry in ClinVar:

NM_144599.5(NIPA1):c.24GGC[21] (p.Ala4_Ala16dup)

Genes: NIPA1 (NIPA magnesium transporter 1; plus strand), LOC130056709 (ATAC-STARR-seq lymphoblastoid silent region 6259; plus strand). Cytogenetic location: 15q11.2.
Variant type: Microsatellite.
Coding change: c.24GGC[21] on transcript NM_144599.5 (MANE Select); 21 copies in a row of the 3-base unit GGC starting at c.24.
Protein change: p.Ala4_Ala16dup.
Molecular consequence: inframe insertion. On other transcripts: intron variant (1).
Genome position: GRCh38, VCF-style position (the base before the change): chr15:22,786,677. GRCh37 (hg19), VCF-style position (the base before the change): chr15:23,086,364.
Other names: c.-48+430GCG[21] (NM_001142275.1).
Identifiers: ClinVar variation 976650 (VCV000976650.4), dbSNP rs531550505, ClinGen allele CA2163910597.

ClinVar aggregate classification (germline): risk factor (1 of 4 stars; one submission).

Conditions:
Amyotrophic lateral sclerosis (ALS). Also called: Charcot disease; Lou Gehrig disease. Identifiers: Orphanet 803, MedGen C0002736, MONDO:0004976, HP:0007354.

Submission:

UM ALS/MND Lab, University Of Malta
Classification: risk factor for Amyotrophic lateral sclerosis. Last evaluated: 2020-07-31. Review status: criteria provided, single submitter. Criteria: ACMG Guidelines, 2015. Collection method: case-control. Allele origin: unknown. Inheritance: Autosomal dominant inheritance. Affected: yes. Observed: 1 heterozygote.
Comment: Tazelaar et al. 2019 showed an overall increased risk of ALS in those with expanded (>8) GCG repeat length